The following is an entry in ClinVar:

ClinVar aggregate classification (germline): Uncertain significance (1 of 4 stars; one submission).

Conditions:
Inborn genetic diseases. Identifiers: MedGen C0950123, MeSH D030342.

gnomAD v4.1: 2 of 1,612,540 alleles (0.00012%); highest among the groups gnomAD compares: Admixed American, 0.0017%; no homozygotes.

Submission:

Ambry Genetics
Classification: Uncertain significance for Inborn genetic diseases. Last evaluated: 2026-07-14. Review status: criteria provided, single submitter. Criteria: Ambry Variant Classification Scheme 2023. Collection method: clinical testing. Allele origin: germline.
Comment: The c.859A>G (p.T287A) alteration is located in exon 6 (coding exon 6) of the GRID2 gene. This alteration results from a A to G substitution at nucleotide position 859, causing the threonine (T) at amino acid position 287 to be replaced by an alanine (A). Based on data from gnomAD, the G allele has an overall frequency of <0.001% (1/251218) total alleles studied. The highest observed frequency was 0.003% (1/34544) of Latino alleles. Based on insufficient or conflicting evidence, the clinical significance of this alteration remains unclear.

NM_001510.4(GRID2):c.859A>G (p.Thr287Ala)

Gene: GRID2 (glutamate ionotropic receptor delta type subunit 2; plus strand). Cytogenetic location: 4q22.2.
Variant type: single nucleotide variant.
Coding change: c.859A>G on transcript NM_001510.4 (MANE Select); coding-DNA position 859, A replaced by G.
Protein change: p.Thr287Ala; replaces threonine 287 with alanine.
Molecular consequence: missense variant.
Genome position (GRCh38, 1-based): chr4:93,216,807, A>G. VCF-style: chr4-93216807-A-G. GRCh37 (hg19) VCF-style: chr4-94137958-A-G.
Other names: c.574A>G, p.Thr192Ala (NM_001286838.1); c.859A>G, p.Thr287Ala (NM_001440459.1); short protein forms T192A, T287A.
Identifiers: ClinVar variation 5022525 (VCV005022525.1).